The following is an entry in ClinVar:

ClinVar aggregate classification (germline): Uncertain significance. Review status: criteria provided, multiple submitters, no conflicts (2 of 4 stars). 2 submissions from 2 submitters: Uncertain significance (2). Last evaluated 2024-01-12.

Conditions:
Senior-Loken syndrome 6 (SLSN6). Identifiers: Orphanet 3156, MedGen C1857779, MONDO:0012433, OMIM 610189.
Bardet-Biedl syndrome 14 (BBS14). Identifiers: Orphanet 110, MedGen C2673874, MONDO:0014442, OMIM 615991.
Leber congenital amaurosis 10 (LCA10). Identifiers: Orphanet 65, MedGen C1857821, MONDO:0012723, OMIM 611755.
Meckel syndrome, type 4 (MKS4). Also called: MECKEL-GRUBER SYNDROME, TYPE 4. Identifiers: Orphanet 564, MedGen C1970161, MONDO:0012626, OMIM 611134.
Joubert syndrome 5 (JBTS5). Identifiers: Orphanet 2318, MedGen C1857780, MONDO:0012432, OMIM 610188.
Meckel-Gruber syndrome. Also called: DYSENCEPHALIA SPLANCHNOCYSTICA; GRUBER SYNDROME; Dysencephalia splachnocystica. Identifiers: Orphanet 564, MedGen C0265215, MONDO:0018921.
Joubert syndrome. Also called: CEREBELLOPARENCHYMAL DISORDER IV; JOUBERT-BOLTSHAUSER SYNDROME; Familial aplasia of the vermis. Identifiers: Orphanet 475, MedGen C5979921, MONDO:0018772.
Nephronophthisis. Also called: Juvenile Nephronophthisis. Identifiers: Orphanet 655, MedGen C0687120, MONDO:0019005, HP:0000090.

Allele frequency attached by ClinVar (database versions not stated): gnomAD 0.00001; gnomAD exomes 0.00001 and below 0.00001; TOPMed 0.00003; ESP Exome Variant Server 0.00017.
gnomAD v4.1: 4 of 1,575,632 alleles (0.00025%); highest among the groups gnomAD compares: African/African-American, 0.0054%; no homozygotes.

Submissions (2):

Fulgent Genetics
Classification: Uncertain significance for Joubert syndrome 5; Senior-Loken syndrome 6; Meckel syndrome, type 4; Leber congenital amaurosis 10; Bardet-Biedl syndrome 14. Last evaluated: 2024-01-12. Review status: criteria provided, single submitter. Criteria: ACMG Guidelines, 2015. Collection method: clinical testing. Allele origin: germline.

Labcorp Genetics (formerly Invitae), Labcorp
Classification: Uncertain significance for Joubert syndrome; Meckel-Gruber syndrome; Nephronophthisis. Last evaluated: 2021-08-31. Review status: criteria provided, single submitter. Criteria: Invitae Variant Classification Sherloc (09022015). Collection method: clinical testing. Allele origin: germline.
Comment: This sequence change replaces lysine with asparagine at codon 555 of the CEP290 protein (p.Lys555Asn). The lysine residue is moderately conserved and there is a moderate physicochemical difference between lysine and asparagine. This variant is not present in population databases (ExAC no frequency). This variant has not been reported in the literature in individuals affected with CEP290-related conditions. Algorithms developed to predict the effect of missense changes on protein structure and function are either unavailable or do not agree on the potential impact of this missense change (SIFT: "Deleterious"; PolyPhen-2: "Benign"; Align-GVGD: "Class C0"). In summary, the available evidence is currently insufficient to determine the role of this variant in disease. Therefore, it has been classified as a Variant of Uncertain Significance.

NM_025114.4(CEP290):c.1665A>T (p.Lys555Asn)

Gene: CEP290 (centrosomal protein 290; minus strand). Cytogenetic location: 12q21.32.
Variant type: single nucleotide variant.
Coding change: c.1665A>T on transcript NM_025114.4 (MANE Select); coding-DNA position 1665, A replaced by T.
Protein change: p.Lys555Asn; replaces lysine 555 with asparagine.
Molecular consequence: missense variant.
Genome position (GRCh38, 1-based): chr12:88,118,529, T>A on the plus strand (A>T on the coding strand, the complement: CEP290 is on the minus strand). VCF-style: chr12-88118529-T-A. GRCh37 (hg19) VCF-style: chr12-88512306-T-A.
Other names: short protein forms K555N.
Identifiers: ClinVar variation 461776 (VCV000461776.7), dbSNP rs374824892, ClinGen allele CA241151004.